The following is an entry in ClinVar:

ClinVar aggregate classification (germline): Likely benign (1 of 4 stars; one submission).

gnomAD v4.1: 1,026 of 1,613,262 alleles (0.064%); highest among the groups gnomAD compares: South Asian, 0.23%; 3 homozygotes.

Submission:

CeGaT Center for Human Genetics Tuebingen
Classification: Likely benign. Last evaluated: 2026-06-01. Review status: criteria provided, single submitter. Criteria: CeGaT Center For Human Genetics Tuebingen Variant Classification Criteria Version 2. Collection method: clinical testing. Allele origin: germline. Affected: yes. Observed: 1 variant allele.
Comment: ABCA5: BP4, BP7

NM_172232.4(ABCA5):c.2847C>T (p.Ser949=)

Gene: ABCA5 (ATP binding cassette subfamily A member 5; minus strand). Cytogenetic location: 17q24.3.
Variant type: single nucleotide variant.
Coding change: c.2847C>T on transcript NM_172232.4 (MANE Select); coding-DNA position 2847, C replaced by T.
Protein change: p.Ser949=; no amino-acid change (serine 949 retained).
Molecular consequence: synonymous variant.
Genome position (GRCh38, 1-based): chr17:69,271,207, G>A on the plus strand (C>T on the coding strand, the complement: ABCA5 is on the minus strand). VCF-style: chr17-69271207-G-A. GRCh37 (hg19) VCF-style: chr17-67267348-G-A.
Other names: c.2847C>T, p.Ser949= (NM_018672.5).
Identifiers: ClinVar variation 4872089 (VCV004872089.2).